The following is an entry in ClinVar:

ClinVar aggregate classification (germline): Uncertain significance (1 of 4 stars; one submission).

Conditions:
Inborn genetic diseases. Identifiers: MedGen C0950123, MeSH D030342.

gnomAD v4.1: 17 of 1,612,558 alleles (0.0011%); highest among the groups gnomAD compares: South Asian, 0.011%; no homozygotes.

Submission:

Ambry Genetics
Classification: Uncertain significance for Inborn genetic diseases. Last evaluated: 2025-07-18. Review status: criteria provided, single submitter. Criteria: Ambry Variant Classification Scheme 2023. Collection method: clinical testing. Allele origin: germline.
Comment: The p.Y210C variant (also known as c.629A>G), located in coding exon 4 of the ERCC6L2 gene, results from an A to G substitution at nucleotide position 629. The tyrosine at codon 210 is replaced by cysteine, an amino acid with highly dissimilar properties. This amino acid position is conserved. In addition, this alteration is predicted to be deleterious by in silico analysis. Based on the available evidence, the clinical significance of this variant remains unclear.

NM_020207.7(ERCC6L2):c.629A>G (p.Tyr210Cys)

Gene: ERCC6L2 (ERCC excision repair 6 like 2; plus strand). Cytogenetic location: 9q22.32.
Variant type: single nucleotide variant.
Coding change: c.629A>G on transcript NM_020207.7 (MANE Select); coding-DNA position 629, A replaced by G.
Protein change: p.Tyr210Cys; replaces tyrosine 210 with cysteine.
Molecular consequence: missense variant. On other transcripts: non-coding transcript variant (1).
Genome position (GRCh38, 1-based): chr9:95,907,112, A>G. VCF-style: chr9-95907112-A-G. GRCh37 (hg19) VCF-style: chr9-98669394-A-G.
Other names: c.629A>G, p.Tyr210Cys (NM_001010895.4, NM_001375291.1, NM_001375292.1 and 2 more transcripts); short protein forms Y210C.
Identifiers: ClinVar variation 4250589 (VCV004250589.1).